The following is an entry in ClinVar:

NM_145290.4(ADGRA3):c.2818A>T (p.Ile940Phe)

Gene: ADGRA3 (adhesion G protein-coupled receptor A3; minus strand). Cytogenetic location: 4p15.2.
Variant type: single nucleotide variant.
Coding change: c.2818A>T on transcript NM_145290.4 (MANE Select); coding-DNA position 2818, A replaced by T.
Protein change: p.Ile940Phe; replaces isoleucine 940 with phenylalanine.
Molecular consequence: missense variant.
Genome position (GRCh38, 1-based): chr4:22,388,853, T>A on the plus strand (A>T on the coding strand, the complement: ADGRA3 is on the minus strand). VCF-style: chr4-22388853-T-A. GRCh37 (hg19) VCF-style: chr4-22390476-T-A.
Other names: short protein forms I940F.
Identifiers: ClinVar variation 1998710 (VCV001998710.4), dbSNP rs1313825028, ClinGen allele CA356474785.

ClinVar aggregate classification (germline): Uncertain significance (1 of 4 stars; one submission).

Allele frequency attached by ClinVar (database versions not stated): gnomAD 0.00001.
gnomAD v4.1: 3 of 1,613,904 alleles (0.00019%); highest among the groups gnomAD compares: African/African-American, 0.0027%; no homozygotes.

Submission:

Labcorp Genetics (formerly Invitae), Labcorp
Classification: Uncertain significance. Last evaluated: 2022-10-13. Review status: criteria provided, single submitter. Criteria: Invitae Variant Classification Sherloc (09022015). Collection method: clinical testing. Allele origin: germline.
Comment: In summary, the available evidence is currently insufficient to determine the role of this variant in disease. Therefore, it has been classified as a Variant of Uncertain Significance. Algorithms developed to predict the effect of missense changes on protein structure and function are either unavailable or do not agree on the potential impact of this missense change (SIFT: "Tolerated"; PolyPhen-2: "Possibly Damaging"; Align-GVGD: "Class C0"). This variant has not been reported in the literature in individuals affected with ADGRA3-related conditions. This variant is present in population databases (no rsID available, gnomAD 0.008%). This sequence change replaces isoleucine, which is neutral and non-polar, with phenylalanine, which is neutral and non-polar, at codon 940 of the ADGRA3 protein (p.Ile940Phe).